The following is an entry in ClinVar:

ClinVar aggregate classification (germline): Pathogenic (1 of 4 stars; one submission).

Submission:

Labcorp Genetics (formerly Invitae), Labcorp
Classification: Pathogenic. Last evaluated: 2021-11-15. Review status: criteria provided, single submitter. Criteria: Invitae Variant Classification Sherloc (09022015). Collection method: clinical testing. Allele origin: germline.
Comment: For these reasons, this variant has been classified as Pathogenic. Experimental studies and prediction algorithms are not available or were not evaluated, and the functional significance of this variant is currently unknown. This variant has not been reported in the literature in individuals affected with MTTP-related conditions. This variant is a gross deletion of the genomic region encompassing exon(s) 1-4 of the MTTP gene, which includes the initiator codon. This deletion extends beyond the assayed region for this gene and therefore may encompass additional genes. It is expected to result in an absent or disrupted protein product. Loss-of-function variants in MTTP are known to be pathogenic (PMID: 8533758, 9671739).

Literature cited by the submitters: PubMed 8533758; PubMed 9671739.

NC_000004.11:g.(?_100485243)_(100504684_?)del

Gene: MTTP (microsomal triglyceride transfer protein; plus strand). Cytogenetic location: 4q23.
Variant type: Deletion.
Identifiers: ClinVar variation 2422675 (VCV002422675.4).